The following is an entry in ClinVar:

NM_000264.5(PTCH1):c.2407_2408del (p.Met803fs)

Genes: PTCH1 (patched 1; minus strand), LOC100507346 (uncharacterized LOC100507346; plus strand). Cytogenetic location: 9q22.32.
Variant type: Deletion.
Coding change: c.2407_2408del on transcript NM_000264.5 (MANE Select); coding-DNA positions 2407 to 2408, 2 bases deleted (AT; older notation c.2407_2408delAT).
Protein change: p.Met803fs; shifts the reading frame from methionine 803.
Molecular consequence: frameshift variant.
Genome position (GRCh38, 1-based): chr9:95,467,268-95,467,269, AT deleted on the plus strand (AT on the coding strand, the reverse complement: PTCH1 is on the minus strand). VCF-style (leftmost placement, unchanged base first): chr9-95467267-CAT-C. GRCh37 (hg19) VCF-style: chr9-98229549-CAT-C.
Other names: c.2209_2210del, p.Met737fs (NM_001083602.3); c.2404_2405del, p.Met802fs (NM_001083603.3); c.1954_1955del, p.Met652fs (NM_001083604.3, NM_001083605.3, NM_001083606.3 and 1 more transcripts); c.2251_2252del, p.Met751fs (NM_001354918.2); short protein forms M803fs, M652fs, M737fs, M751fs, M802fs.
Identifiers: ClinVar variation 2744429 (VCV002744429.3), dbSNP rs2538131547, ClinGen allele CA2697557854.
Genomic context (GRCh38, chr9:95,467,267, plus strand): 5'-GTGTAGGTCGTAAAGTAAGTGCTGGATATTCGGGTAGTCTGCTTTCTGGGTGACTATATA[CAT>C]GTTGTAGAAAGAAAAGTATTTGAATTGTGCAGCAATAAAGTCATATTCTCTGGTTTCCCG-3'

ClinVar aggregate classification (germline): Pathogenic (1 of 4 stars; one submission).

Conditions:
Gorlin syndrome. Also called: Basal cell nevus syndrome; Nevoid Basal Cell Carcinoma Syndrome. Identifiers: Orphanet 377, MedGen C0004779, MONDO:0007187.

Submission:

Labcorp Genetics (formerly Invitae), Labcorp
Classification: Pathogenic for Gorlin syndrome. Last evaluated: 2023-12-01. Review status: criteria provided, single submitter. Criteria: Invitae Variant Classification Sherloc (09022015). Collection method: clinical testing. Allele origin: germline.
Comment: This sequence change creates a premature translational stop signal (p.Met803Valfs*25) in the PTCH1 gene. It is expected to result in an absent or disrupted protein product. Loss-of-function variants in PTCH1 are known to be pathogenic (PMID: 16301862, 16419085). This variant is not present in population databases (gnomAD no frequency). This variant has not been reported in the literature in individuals affected with PTCH1-related conditions. For these reasons, this variant has been classified as Pathogenic.

Literature cited by the submitters: PubMed 16301862; PubMed 16419085.